The following is an entry in ClinVar:

ClinVar aggregate classification (germline): Uncertain significance (1 of 4 stars; one submission).

Submission:

Labcorp Genetics (formerly Invitae), Labcorp
Classification: Uncertain significance. Last evaluated: 2025-12-21. Review status: criteria provided, single submitter. Criteria: Invitae Variant Classification Sherloc (09022015). Collection method: clinical testing. Allele origin: germline.
Comment: This sequence change replaces glycine, which is neutral and non-polar, with alanine, which is neutral and non-polar, at codon 130 of the COL9A3 protein (p.Gly130Ala). This variant is not present in population databases (gnomAD no frequency). This variant has not been reported in the literature in individuals affected with COL9A3-related conditions. Invitae Evidence Modeling of protein sequence and biophysical properties (such as structural, functional, and spatial information, amino acid conservation, physicochemical variation, residue mobility, and thermodynamic stability) indicates that this missense variant is expected to disrupt COL9A3 protein function with a positive predictive value of 95%. In summary, the available evidence is currently insufficient to determine the role of this variant in disease. Therefore, it has been classified as a Variant of Uncertain Significance.

NM_001853.4(COL9A3):c.389G>C (p.Gly130Ala)

Gene: COL9A3 (collagen type IX alpha 3 chain; plus strand). Cytogenetic location: 20q13.33.
Variant type: single nucleotide variant.
Coding change: c.389G>C on transcript NM_001853.4 (MANE Select); coding-DNA position 389, G replaced by C.
Protein change: p.Gly130Ala; replaces glycine 130 with alanine.
Molecular consequence: missense variant.
Genome position (GRCh38, 1-based): chr20:62,821,776, G>C. VCF-style: chr20-62821776-G-C. GRCh37 (hg19) VCF-style: chr20-61453128-G-C.
Other names: short protein forms G130A.
Identifiers: ClinVar variation 4803128 (VCV004803128.1).